The following is an entry in ClinVar:

ClinVar aggregate classification (germline): Uncertain significance (1 of 4 stars; one submission).

Conditions:
Early Myoclonic Encephalopathy. Identifiers: MedGen C0270855.

Allele frequency attached by ClinVar (database versions not stated): gnomAD exomes below 0.00001.
gnomAD v4.1: 1 of 1,600,430 alleles (0.000062%); highest among the groups gnomAD compares: South Asian, 0.0011%; no homozygotes.

Submission:

Labcorp Genetics (formerly Invitae), Labcorp
Classification: Uncertain significance for Early Myoclonic Encephalopathy. Last evaluated: 2022-07-19. Review status: criteria provided, single submitter. Criteria: Invitae Variant Classification Sherloc (09022015). Collection method: clinical testing. Allele origin: germline.
Comment: In summary, the available evidence is currently insufficient to determine the role of this variant in disease. Therefore, it has been classified as a Variant of Uncertain Significance. Algorithms developed to predict the effect of missense changes on protein structure and function output the following: SIFT: "Tolerated"; PolyPhen-2: "Benign"; Align-GVGD: "Class C0". The asparagine amino acid residue is found in multiple mammalian species, which suggests that this missense change does not adversely affect protein function. This variant has not been reported in the literature in individuals affected with JMJD1C-related conditions. This variant is not present in population databases (gnomAD no frequency). This sequence change replaces aspartic acid, which is acidic and polar, with asparagine, which is neutral and polar, at codon 390 of the JMJD1C protein (p.Asp390Asn).

NM_032776.3(JMJD1C):c.1168G>A (p.Asp390Asn)

Gene: JMJD1C (jumonji domain containing 1C; minus strand). Cytogenetic location: 10q21.3.
Variant type: single nucleotide variant.
Coding change: c.1168G>A on transcript NM_032776.3 (MANE Select); coding-DNA position 1168, G replaced by A.
Protein change: p.Asp390Asn; replaces aspartic acid 390 with asparagine.
Molecular consequence: missense variant. On other transcripts: non-coding transcript variant (1).
Genome position (GRCh38, 1-based): chr10:63,214,999, C>T on the plus strand (G>A on the coding strand, the complement: JMJD1C is on the minus strand). VCF-style: chr10-63214999-C-T. GRCh37 (hg19) VCF-style: chr10-64974759-C-T.
Other names: c.622G>A, p.Asp208Asn (NM_001282948.2, NM_001318154.2); c.304G>A, p.Asp102Asn (NM_001318153.2); c.1054G>A, p.Asp352Asn (NM_001322252.2); c.511G>A, p.Asp171Asn (NM_001322254.2, NM_001322258.2); short protein forms D102N, D171N, D208N, D352N, D390N.
Identifiers: ClinVar variation 1922016 (VCV001922016.5), dbSNP rs1275073137, ClinGen allele CA377050408.